The following is an entry in ClinVar:

ClinVar aggregate classification (germline): Uncertain significance (1 of 4 stars; one submission).

Conditions:
Usmani-Riazuddin syndrome, autosomal dominant (USRISD). Identifiers: MedGen C5561952, MONDO:0859174, OMIM 619467.

Submission:

Neuberg Centre For Genomic Medicine, NCGM
Classification: Uncertain significance for Usmani-Riazuddin syndrome, autosomal dominant. Last evaluated: 2023-07-22. Review status: criteria provided, single submitter. Criteria: ACMG Guidelines, 2015. Collection method: clinical testing. Allele origin: germline. Inheritance: Autosomal dominant inheritance. Affected: yes.
Comment: The observed missense c.980T>Cp.Val327Ala variant in AP1G1 gene has not been reported previously as a pathogenic variant nor a benign variant, to our knowledge. The p.Val327Ala variant is absent in gnomAD Exomes. This variant has not been submitted to the ClinVar database. Multiple lines of computational evidences Polyphen - Probably damaging, SIFT - Damaging and MutationTaster - Disease causing predict a damaging effect on protein structure and function for this variant. The reference amino acid change at this position on AP1G1 gene is predicted as conserved by GERP++ and PhyloP across 100 vertebrates. The amino acid Val at position 327 is changed to a Ala changing protein sequence and it might alter its composition and physico-chemical properties. For these reasons, this variant has been classified as a Variant of Uuncertain Significance VUS.

NM_001128.6(AP1G1):c.980T>C (p.Val327Ala)

Gene: AP1G1 (adaptor related protein complex 1 subunit gamma 1; minus strand). Cytogenetic location: 16q22.2.
Variant type: single nucleotide variant.
Coding change: c.980T>C on transcript NM_001128.6 (MANE Select); coding-DNA position 980, T replaced by C.
Protein change: p.Val327Ala; replaces valine 327 with alanine.
Molecular consequence: missense variant.
Genome position (GRCh38, 1-based): chr16:71,758,916, A>G on the plus strand (T>C on the coding strand, the complement: AP1G1 is on the minus strand). VCF-style: chr16-71758916-A-G. GRCh37 (hg19) VCF-style: chr16-71792819-A-G.
Other names: c.989T>C, p.Val330Ala (NM_001030007.2); short protein forms V327A, V330A.
Identifiers: ClinVar variation 3391292 (VCV003391292.1).